The following is an entry in ClinVar:

NM_000156.6(GAMT):c.39C>T (p.Gly13=)

Genes: GAMT (guanidinoacetate N-methyltransferase; minus strand), LOC130062945 (ATAC-STARR-seq lymphoblastoid silent region 9707; plus strand). Cytogenetic location: 19p13.3.
Variant type: single nucleotide variant.
Coding change: c.39C>T on transcript NM_000156.6 (MANE Select); coding-DNA position 39, C replaced by T.
Protein change: p.Gly13=; no amino-acid change (glycine 13 retained).
Molecular consequence: synonymous variant.
Genome position (GRCh38, 1-based): chr19:1,401,438, G>A on the plus strand (C>T on the coding strand, the complement: GAMT is on the minus strand). VCF-style: chr19-1401438-G-A. GRCh37 (hg19) VCF-style: chr19-1401437-G-A.
Other names: c.39C>T, p.Gly13= (NM_138924.3).
Identifiers: ClinVar variation 839981 (VCV000839981.6), dbSNP rs1262796024, ClinGen allele CA504731733.

ClinVar aggregate classification (germline): Uncertain significance (1 of 4 stars; one submission).

Conditions:
Cerebral creatine deficiency syndrome. Also called: Creatine deficiency syndromes. Identifiers: Orphanet 79172, MedGen C5244016, MONDO:0000456.

gnomAD v4.1: 3 of 1,412,302 alleles (0.00021%); highest among the groups gnomAD compares: Non-Finnish European, 0.00028%; no homozygotes.

Submission:

Labcorp Genetics (formerly Invitae), Labcorp
Classification: Uncertain significance for Cerebral creatine deficiency syndrome. Last evaluated: 2021-08-27. Review status: criteria provided, single submitter. Criteria: Invitae Variant Classification Sherloc (09022015). Collection method: clinical testing. Allele origin: germline.
Comment: This sequence change affects codon 13 of the GAMT mRNA. It is a 'silent' change, meaning that it does not change the encoded amino acid sequence of the GAMT protein. The frequency data for this variant in the population databases is considered unreliable, as metrics indicate insufficient coverage at this position in the ExAC database. This variant has not been reported in the literature in individuals affected with GAMT-related conditions. Algorithms developed to predict the effect of sequence changes on RNA splicing suggest that this variant may create or strengthen a splice site. In summary, the available evidence is currently insufficient to determine the role of this variant in disease. Therefore, it has been classified as a Variant of Uncertain Significance.